The following is an entry in ClinVar:

ClinVar aggregate classification (germline): Uncertain significance (1 of 4 stars; one submission).

Conditions:
Cardiovascular phenotype. Identifiers: MedGen CN230736.

Submission:

Ambry Genetics
Classification: Uncertain significance for Cardiovascular phenotype. Last evaluated: 2023-10-15. Review status: criteria provided, single submitter. Criteria: Ambry Variant Classification Scheme 2023. Collection method: clinical testing. Allele origin: germline.
Comment: The p.A422D variant (also known as c.1265C>A), located in coding exon 9 of the LDB3 gene, results from a C to A substitution at nucleotide position 1265. The alanine at codon 422 is replaced by aspartic acid, an amino acid with dissimilar properties. This amino acid position is conserved. In addition, the in silico prediction for this alteration is inconclusive. Since supporting evidence is limited at this time, the clinical significance of this alteration remains unclear.

NM_007078.3(LDB3):c.1265C>A (p.Ala422Asp)

Gene: LDB3 (LIM domain binding 3; plus strand). Cytogenetic location: 10q23.2.
Variant type: single nucleotide variant.
Coding change: c.1265C>A on transcript NM_007078.3 (MANE Select); coding-DNA position 1265, C replaced by A.
Protein change: p.Ala422Asp; replaces alanine 422 with aspartic acid.
Molecular consequence: missense variant.
Genome position (GRCh38, 1-based): chr10:86,716,360, C>A. VCF-style: chr10-86716360-C-A. GRCh37 (hg19) VCF-style: chr10-88476117-C-A.
Other names: c.935C>A, p.Ala312Asp (NM_001080114.2); c.1280C>A, p.Ala427Asp (NM_001171610.2); c.1076C>A, p.Ala359Asp (NM_001368064.1, NM_001368065.1); c.1124C>A, p.Ala375Asp (NM_001368066.1); short protein forms A312D, A359D, A375D, A422D, A427D.
Identifiers: ClinVar variation 3225977 (VCV003225977.1), dbSNP rs2492807296, ClinGen allele CA377449450.